The following is an entry in ClinVar:

ClinVar aggregate classification (germline): Uncertain significance (1 of 4 stars; one submission).

Conditions:
Inborn genetic diseases. Identifiers: MedGen C0950123, MeSH D030342.

Submission:

Ambry Genetics
Classification: Uncertain significance for Inborn genetic diseases. Last evaluated: 2025-06-14. Review status: criteria provided, single submitter. Criteria: Ambry Variant Classification Scheme 2023. Collection method: clinical testing. Allele origin: germline.
Comment: The p.R531S variant (also known as c.1593A>T), located in coding exon 17 of the RTEL1 gene, results from an A to T substitution at nucleotide position 1593. The arginine at codon 531 is replaced by serine, an amino acid with dissimilar properties. This amino acid position is conserved. In addition, this alteration is predicted to be tolerated by in silico analysis. Based on the available evidence, the clinical significance of this variant remains unclear.

NM_001283009.2(RTEL1):c.1593A>T (p.Arg531Ser)

Genes: RTEL1 (regulator of telomere elongation helicase 1; plus strand), RTEL1-TNFRSF6B (RTEL1-TNFRSF6B readthrough (NMD candidate); plus strand). Cytogenetic location: 20q13.33.
Variant type: single nucleotide variant.
Coding change: c.1593A>T on transcript NM_001283009.2 (MANE Select); coding-DNA position 1593, A replaced by T.
Protein change: p.Arg531Ser; replaces arginine 531 with serine.
Molecular consequence: missense variant. On other transcripts: non-coding transcript variant (1).
Genome position (GRCh38, 1-based): chr20:63,688,048, A>T. VCF-style: chr20-63688048-A-T. GRCh37 (hg19) VCF-style: chr20-62319401-A-T.
Other names: c.924A>T, p.Arg308Ser (NM_001283010.1); c.1593A>T, p.Arg531Ser (NM_016434.4); c.1665A>T, p.Arg555Ser (NM_032957.5); short protein forms R531S, R308S, R555S.
Identifiers: ClinVar variation 3948497 (VCV003948497.1).